The following is an entry in ClinVar:

NM_032043.3(BRIP1):c.1628+9A>G

Gene: BRIP1 (BRCA1 interacting DNA helicase 1; minus strand). Cytogenetic location: 17q23.2.
Variant type: single nucleotide variant.
Coding change: c.1628+9A>G on transcript NM_032043.3 (MANE Select); 9 bases into the intron after coding-DNA position 1628, A replaced by G.
Molecular consequence: intron variant.
Genome position (GRCh38, 1-based): chr17:61,784,261, T>C on the plus strand (A>G on the coding strand, the complement: BRIP1 is on the minus strand). VCF-style: chr17-61784261-T-C. GRCh37 (hg19) VCF-style: chr17-59861622-T-C.
Identifiers: ClinVar variation 2942846 (VCV002942846.4), dbSNP rs2145134529, ClinGen allele CA2740093864.

ClinVar aggregate classification (germline): Likely benign. Review status: criteria provided, multiple submitters, no conflicts (2 of 4 stars). 2 submissions from 2 submitters: Likely benign (2). Last evaluated 2024-08-28.

Conditions:
Familial cancer of breast. Also called: BREAST CANCER, FAMILIAL; Hereditary breast cancer; hereditary breast carcinoma. Identifiers: Orphanet 227535, MedGen C0346153, MONDO:0016419, OMIM 114480. Disease mechanism: loss of function.
Fanconi anemia complementation group J. Also called: BRIP1-Related Fanconi Anemia. Identifiers: Orphanet 84, MedGen C1836860, MONDO:0012187, OMIM 609054.

Submissions (2):

Myriad Genetics, Inc.
Classification: Likely benign for Familial cancer of breast. Last evaluated: 2024-08-28. Review status: criteria provided, single submitter. Criteria: Myriad Autosomal Dominant, Autosomal Recessive and X-Linked Classification Criteria (2023). Collection method: clinical testing. Allele origin: unknown.
Comment: This variant is considered likely benign. This variant is intronic and is not expected to impact mRNA splicing.

Labcorp Genetics (formerly Invitae), Labcorp
Classification: Likely benign for Familial cancer of breast; Fanconi anemia complementation group J. Last evaluated: 2022-12-31. Review status: criteria provided, single submitter. Criteria: Invitae Variant Classification Sherloc (09022015). Collection method: clinical testing. Allele origin: germline.